The following is an entry in ClinVar:

NM_000142.5(FGFR3):c.2215C>G (p.Pro739Ala)

Gene: FGFR3 (fibroblast growth factor receptor 3; plus strand). Cytogenetic location: 4p16.3.
Variant type: single nucleotide variant.
Coding change: c.2215C>G on transcript NM_000142.5 (MANE Select); coding-DNA position 2215, C replaced by G.
Protein change: p.Pro739Ala; replaces proline 739 with alanine.
Molecular consequence: missense variant. On other transcripts: non-coding transcript variant (1).
Genome position (GRCh38, 1-based): chr4:1,806,875, C>G. VCF-style: chr4-1806875-C-G. GRCh37 (hg19) VCF-style: chr4-1808602-C-G.
Other names: c.2221C>G, p.Pro741Ala (NM_001163213.2); c.2218C>G, p.Pro740Ala (NM_001354809.2); c.2147C>G, p.Ala716Gly (NM_001354810.2); c.1879C>G, p.Pro627Ala (NM_022965.4); c.2215C>G (NM_000142.4); short protein forms A716G, P627A, P739A, P740A, P741A.
Identifiers: ClinVar variation 1680131 (VCV001680131.9), dbSNP rs1476525477, ClinGen allele CA355985261.

ClinVar aggregate classification (germline): Uncertain significance. Review status: criteria provided, multiple submitters, no conflicts (2 of 4 stars). 2 submissions from 2 submitters: Uncertain significance (2). Last evaluated 2024-05-17.

Conditions:
FGFR3-related disorder. Also called: FGFR3-related disorders.

Allele frequency attached by ClinVar (database versions not stated): gnomAD 0.00001; gnomAD exomes 0.00002.
gnomAD v4.1: 25 of 1,611,606 alleles (0.0016%); highest among the groups gnomAD compares: Non-Finnish European, 0.0019%; no homozygotes.

Submissions (2):

Labcorp Genetics (formerly Invitae), Labcorp
Classification: Uncertain significance. Last evaluated: 2024-05-17. Review status: criteria provided, single submitter. Criteria: Invitae Variant Classification Sherloc (09022015). Collection method: clinical testing. Allele origin: germline.
Comment: This sequence change replaces proline, which is neutral and non-polar, with alanine, which is neutral and non-polar, at codon 739 of the FGFR3 protein (p.Pro739Ala). This variant is present in population databases (no rsID available, gnomAD 0.004%). This variant has not been reported in the literature in individuals affected with FGFR3-related conditions. ClinVar contains an entry for this variant (Variation ID: 1680131). Advanced modeling of protein sequence and biophysical properties (such as structural, functional, and spatial information, amino acid conservation, physicochemical variation, residue mobility, and thermodynamic stability) has been performed at Invitae for this missense variant, however the output from this modeling did not meet the statistical confidence thresholds required to predict the impact of this variant on FGFR3 protein function. In summary, the available evidence is currently insufficient to determine the role of this variant in disease. Therefore, it has been classified as a Variant of Uncertain Significance.

PreventionGenetics, part of Exact Sciences
Classification: Uncertain significance for FGFR3-related condition. Last evaluated: 2023-09-05. Review status: criteria provided, single submitter. Criteria: ACMG Guidelines, 2015. Collection method: clinical testing. Allele origin: germline.
Comment: The FGFR3 c.2215C>G variant is predicted to result in the amino acid substitution p.Pro739Ala. To our knowledge, this variant has not been reported in the literature. This variant is reported in 0.0041% of alleles in individuals of African descent in gnomAD. At this time, the clinical significance of this variant is uncertain due to the absence of conclusive functional and genetic evidence.